The following is an entry in ClinVar:

ClinVar aggregate classification (germline): Uncertain significance (1 of 4 stars; one submission).

Conditions:
Hereditary cancer-predisposing syndrome. Also called: Neoplastic Syndromes, Hereditary; Tumor predisposition; Hereditary Cancer Syndrome; Hereditary neoplastic syndrome. Identifiers: Orphanet 140162, MedGen C0027672, MeSH D009386, MONDO:0015356.

gnomAD v4.1: 2 of 1,614,142 alleles (0.00012%); highest among the groups gnomAD compares: Non-Finnish European, 0.00017%; no homozygotes.

Submission:

Ambry Genetics
Classification: Uncertain significance for Hereditary cancer-predisposing syndrome. Last evaluated: 2024-10-25. Review status: criteria provided, single submitter. Criteria: Ambry Variant Classification Scheme 2023. Collection method: clinical testing. Allele origin: germline.
Comment: The p.P1103S variant (also known as c.3307C>T), located in coding exon 20 of the RET gene, results from a C to T substitution at nucleotide position 3307. The proline at codon 1103 is replaced by serine, an amino acid with similar properties. This amino acid position is conserved. In addition, the in silico prediction for this alteration is inconclusive. Based on the available evidence, the clinical significance of this variant remains unclear.

NM_020975.6(RET):c.3307C>T (p.Pro1103Ser)

Gene: RET (ret proto-oncogene; plus strand). Cytogenetic location: 10q11.21.
Variant type: single nucleotide variant.
Coding change: c.3307C>T on transcript NM_020975.6 (MANE Select); coding-DNA position 3307, C replaced by T.
Protein change: p.Pro1103Ser; replaces proline 1103 with serine.
Molecular consequence: missense variant. On other transcripts: 3 prime UTR variant (18), intron variant (3).
Genome position (GRCh38, 1-based): chr10:43,128,231, C>T. VCF-style: chr10-43128231-C-T. GRCh37 (hg19) VCF-style: chr10-43623679-C-T.
Other names: c.2869C>T, p.Pro957Ser (NM_001406771.1); c.*1477C>T (NM_001406772.1, NM_001406773.1, NM_001406774.1 and 15 more transcripts); c.2581C>T, p.Pro861Ser (NM_001406775.1); c.2521C>T, p.Pro841Ser (NM_001406777.1); c.2122C>T, p.Pro708Ser (NM_001406788.1, NM_001406789.1); c.2281C>T, p.Pro761Ser (NM_001406783.1); c.2410C>T, p.Pro804Ser (NM_001406779.1, NM_001406780.1); c.3307C>T, p.Pro1103Ser (NM_001406743.1); and 10 more; short protein forms P1007S, P804S, P957S, P600S, P620S, P1058S, P761S, P861S.
Identifiers: ClinVar variation 3432204 (VCV003432204.1).